The following is an entry in ClinVar:

ClinVar aggregate classification (germline): Uncertain significance. Review status: criteria provided, multiple submitters, no conflicts (2 of 4 stars). 3 submissions from 3 submitters: Uncertain significance (3). Last evaluated 2024-03-16.

Conditions:
Hereditary cancer-predisposing syndrome. Also called: Tumor predisposition; Hereditary neoplastic syndrome; Neoplastic Syndromes, Hereditary; Hereditary Cancer Syndrome. Identifiers: Orphanet 140162, MedGen C0027672, MeSH D009386, MONDO:0015356.
Endometrial carcinoma. Also called: Endometrial carcinoma, somatic. Identifiers: MedGen C0476089, MONDO:0002447, OMIM 608089, HP:0012114.

gnomAD v4.1: 13 of 1,612,374 alleles (0.00081%); highest among the groups gnomAD compares: Non-Finnish European, 0.0011%; no homozygotes.

Submissions (3):

Labcorp Genetics (formerly Invitae), Labcorp
Classification: Uncertain significance. Last evaluated: 2024-03-16. Review status: criteria provided, single submitter. Criteria: Invitae Variant Classification Sherloc (09022015). Collection method: clinical testing. Allele origin: germline.
Comment: This sequence change replaces glutamine, which is neutral and polar, with leucine, which is neutral and non-polar, at codon 449 of the MSH3 protein (p.Gln449Leu). This variant is not present in population databases (gnomAD no frequency). This variant has not been reported in the literature in individuals affected with MSH3-related conditions. ClinVar contains an entry for this variant (Variation ID: 862501). An algorithm developed to predict the effect of missense changes on protein structure and function (PolyPhen-2) suggests that this variant¬†is likely to be tolerated. In summary, the available evidence is currently insufficient to determine the role of this variant in disease. Therefore, it has been classified as a Variant of Uncertain Significance.

Baylor Genetics
Classification: Uncertain significance for Endometrial carcinoma. Last evaluated: 2024-02-14. Review status: criteria provided, single submitter. Criteria: ACMG Guidelines, 2015. Collection method: clinical testing. Allele origin: unknown.

Ambry Genetics
Classification: Uncertain significance for Hereditary cancer-predisposing syndrome. Last evaluated: 2024-02-03. Review status: criteria provided, single submitter. Criteria: Ambry Variant Classification Scheme 2023. Collection method: clinical testing. Allele origin: germline.
Comment: The p.Q449L variant (also known as c.1346A>T), located in coding exon 9 of the MSH3 gene, results from an A to T substitution at nucleotide position 1346. The glutamine at codon 449 is replaced by leucine, an amino acid with dissimilar properties. This amino acid position is poorly conserved in available vertebrate species. In addition, this alteration is predicted to be tolerated by in silico analysis. Since supporting evidence is limited at this time, the clinical significance of this alteration remains unclear.

NM_002439.5(MSH3):c.1346A>T (p.Gln449Leu)

Gene: MSH3 (mutS homolog 3; plus strand). Cytogenetic location: 5q14.1.
Variant type: single nucleotide variant.
Coding change: c.1346A>T on transcript NM_002439.5 (MANE Select); coding-DNA position 1346, A replaced by T.
Protein change: p.Gln449Leu; replaces glutamine 449 with leucine.
Molecular consequence: missense variant.
Genome position (GRCh38, 1-based): chr5:80,725,458, A>T. VCF-style: chr5-80725458-A-T. GRCh37 (hg19) VCF-style: chr5-80021277-A-T.
Other names: short protein forms Q449L.
Identifiers: ClinVar variation 862501 (VCV000862501.12), dbSNP rs780395319, ClinGen allele CA360273347.